The following is an entry in ClinVar:

ClinVar aggregate classification (germline): Uncertain significance (0 of 4 stars; one submission).

Conditions:
NCOA1-related disorder. Also called: NCOA1-related condition.

Submission:

PreventionGenetics, part of Exact Sciences
Classification: Uncertain significance for NCOA1-related condition. Last evaluated: 2024-09-18. Review status: no assertion criteria provided. Collection method: clinical testing. Allele origin: germline.
Comment: The NCOA1 c.2981_2985del5 variant is predicted to result in a frameshift and premature protein termination (p.Pro994Leufs*11). To our knowledge, this variant has not been reported in the literature or in a large population database, indicating this variant is rare. At this time, the clinical significance of this variant is uncertain due to the absence of conclusive functional and genetic evidence.

NM_003743.5(NCOA1):c.2981_2985del (p.Pro994fs)

Gene: NCOA1 (nuclear receptor coactivator 1; plus strand). Cytogenetic location: 2p23.3.
Variant type: Deletion.
Coding change: c.2981_2985del on transcript NM_003743.5 (MANE Select); coding-DNA positions 2981 to 2985, 5 bases deleted (CTTAC; older notation c.2981_2985delCTTAC).
Protein change: p.Pro994fs; shifts the reading frame from proline 994.
Molecular consequence: frameshift variant.
Genome position (GRCh38, 1-based): chr2:24,729,595-24,729,599, CTTAC deleted; deleting any 5 consecutive bases within chr2:24,729,594-24,729,599 gives the same sequence; the c. name uses the placement nearest the transcript's 3' end. VCF-style (leftmost placement, unchanged base first): chr2-24729593-GCCTTA-G. GRCh37 (hg19) VCF-style: chr2-24952462-GCCTTA-G.
Other names: c.2981_2985del, p.Pro994fs (NM_001362950.1, NM_001362952.1, NM_001362954.1 and 3 more transcripts); short protein forms P994fs.
Identifiers: ClinVar variation 3344737 (VCV003344737.1).